The following is an entry in ClinVar:

NM_014874.4(MFN2):c.1538_1541del (p.Ile513fs)

Gene: MFN2 (mitofusin 2; plus strand). Cytogenetic location: 1p36.22.
Variant type: Deletion.
Coding change: c.1538_1541del on transcript NM_014874.4 (MANE Select); coding-DNA positions 1538 to 1541, 4 bases deleted (TAGA; older notation c.1538_1541delTAGA).
Protein change: p.Ile513fs; shifts the reading frame from isoleucine 513.
Molecular consequence: frameshift variant.
Genome position (GRCh38, 1-based): chr1:12,005,753-12,005,756, TAGA deleted; deleting any 4 consecutive bases within chr1:12,005,750-12,005,756 gives the same sequence; the c. name uses the placement nearest the transcript's 3' end. VCF-style (leftmost placement, unchanged base first): chr1-12005749-CAGAT-C. GRCh37 (hg19) VCF-style: chr1-12065806-CAGAT-C.
Other names: c.1538_1541del, p.Ile513fs (NM_001127660.2); short protein forms I513fs.
Identifiers: ClinVar variation 1451283 (VCV001451283.6), dbSNP rs2100852782, ClinGen allele CA2573130584.

ClinVar aggregate classification (germline): Pathogenic (1 of 4 stars; one submission).

Conditions:
Charcot-Marie-Tooth disease type 2. Also called: Charcot-Marie-Tooth type 2. Identifiers: Orphanet 64746, MedGen C0270914, MONDO:0018993.

Submission:

Labcorp Genetics (formerly Invitae), Labcorp
Classification: Pathogenic for Charcot-Marie-Tooth disease type 2. Last evaluated: 2023-06-30. Review status: criteria provided, single submitter. Criteria: Invitae Variant Classification Sherloc (09022015). Collection method: clinical testing. Allele origin: germline.
Comment: For these reasons, this variant has been classified as Pathogenic. ClinVar contains an entry for this variant (Variation ID: 1451283). This variant has not been reported in the literature in individuals affected with MFN2-related conditions. This variant is not present in population databases (gnomAD no frequency). This sequence change creates a premature translational stop signal (p.Ile513Thrfs*15) in the MFN2 gene. It is expected to result in an absent or disrupted protein product. Loss-of-function variants in MFN2 are known to be pathogenic (PMID: 16714318, 16835246, 21715711, 23781337, 26955893).

Literature cited by the submitters: PubMed 16714318; PubMed 16835246; PubMed 21715711; PubMed 23781337; PubMed 26955893.